The following is an entry in ClinVar:

ClinVar aggregate classification (germline): Conflicting classifications of pathogenicity. Review status: criteria provided, conflicting classifications (1 of 4 stars). 6 submissions from 6 submitters: Uncertain significance (2); Benign (1); Likely benign (3). Last evaluated 2024-08-02.

Conditions:
PALB2-related cancer predisposition. Identifiers: MedGen CN377761, MONDO:0700272.
Hereditary cancer-predisposing syndrome. Also called: Hereditary neoplastic syndrome; Tumor predisposition; Hereditary Cancer Syndrome; Neoplastic Syndromes, Hereditary. Identifiers: Orphanet 140162, MedGen C0027672, MeSH D009386, MONDO:0015356.

Allele frequency attached by ClinVar (database versions not stated): gnomAD exomes below 0.00001; TOPMed 0.00003; gnomAD 0.00005 and 0.00006.
gnomAD v4.1: 11 of 1,612,254 alleles (0.00068%); highest among the groups gnomAD compares: Middle Eastern, 0.018%; no homozygotes.

Submissions (6):

Quest Diagnostics Nichols Institute San Juan Capistrano
Classification: Uncertain significance. Last evaluated: 2024-08-02. Review status: criteria provided, single submitter. Criteria: Quest Diagnostics criteria. Collection method: clinical testing. Allele origin: unknown.
Comment: The PALB2 c.-10C>T variant has not been reported in individuals with PALB2-related conditions in the published literature. The frequency of this variant in the general population, 0.00013 (3/23874 chromosomes (Genome Aggregation Database)), is uninformative in the assessment of its pathogenicity. Based on the available information, we are unable to determine the clinical significance of this variant.

Department of Pathology and Laboratory Medicine, Sinai Health System
Classification: Likely benign for PALB2-related cancer predisposition. Last evaluated: 2023-09-05. Review status: criteria provided, single submitter. Criteria: ACMG Guidelines, 2015. Collection method: clinical testing. Allele origin: germline. Affected: no.

Color Diagnostics, LLC DBA Color Health
Classification: Likely benign for Hereditary cancer-predisposing syndrome. Last evaluated: 2017-07-05. Review status: criteria provided, single submitter. Criteria: ACMG Guidelines, 2015. Collection method: clinical testing. Allele origin: germline.

Ambry Genetics
Classification: Uncertain significance for Hereditary cancer-predisposing syndrome. Last evaluated: 2016-03-15. Review status: criteria provided, single submitter. Criteria: Ambry Variant Classification Scheme 2023. Collection method: clinical testing. Allele origin: germline.
Comment: The c.-10C>T alteration is located in the 5' untranslated region (5'UTR) of the PALB2 gene. This alteration consists of a C to T substitution nucleotides upstream from the first translated codon. Based on insufficient or conflicting evidence, the clinical significance of this alteration remains unclear.

GeneDx
Classification: Benign. Last evaluated: 2015-05-07. Review status: criteria provided, single submitter. Criteria: GeneDx Variant Classification Process June 2021. Collection method: clinical testing. Allele origin: germline. Affected: yes.

Breakthrough Genomics
Classification: Likely benign. Review status: criteria provided, single submitter. Criteria: ACMG Guidelines, 2015. Collection method: not provided. Allele origin: germline. Inheritance: Autosomal dominant inheritance. Affected: yes.

NM_024675.4(PALB2):c.-10C>T

Gene: PALB2 (partner and localizer of BRCA2; minus strand). Cytogenetic location: 16p12.2.
Variant type: single nucleotide variant.
Coding change: c.-10C>T on transcript NM_024675.4 (MANE Select); 10 bases upstream of the start codon, C replaced by T.
Molecular consequence: 5 prime UTR variant.
Genome position (GRCh38, 1-based): chr16:23,641,167, G>A on the plus strand (C>T on the coding strand, the complement: PALB2 is on the minus strand). VCF-style: chr16-23641167-G-A. GRCh37 (hg19) VCF-style: chr16-23652488-G-A.
Identifiers: ClinVar variation 492140 (VCV000492140.9), dbSNP rs1038099508, ClinGen allele CA279505441.
Genomic context (GRCh38, chr16:23,641,167, plus strand): 5'-CACCTTTTCCTTCTCCTCACAGCTGAGGGGCTTCCCGGGAGGCTCGTCCATCGGGCAGGC[G>A]ACAGAACGAAAAGAGCAGCCGTCGCCGACCCCAGGCCTGCCGACACCGGGACCCAGTTGG-3'